The following is an entry in ClinVar:

NM_004369.4(COL6A3):c.1580C>G (p.Ser527Cys)

Gene: COL6A3 (collagen type VI alpha 3 chain; minus strand). Cytogenetic location: 2q37.3.
Variant type: single nucleotide variant.
Coding change: c.1580C>G on transcript NM_004369.4 (MANE Select); coding-DNA position 1580, C replaced by G.
Protein change: p.Ser527Cys; replaces serine 527 with cysteine.
Molecular consequence: missense variant.
Genome position (GRCh38, 1-based): chr2:237,381,232, G>C on the plus strand (C>G on the coding strand, the complement: COL6A3 is on the minus strand). VCF-style: chr2-237381232-G-C. GRCh37 (hg19) VCF-style: chr2-238289875-G-C.
Other names: c.359C>G, p.Ser120Cys (NM_057164.5, NM_057166.5); c.962C>G, p.Ser321Cys (NM_057165.5, NM_057167.4); short protein forms S321C, S120C, S527C.
Identifiers: ClinVar variation 2827797 (VCV002827797.3), dbSNP rs1270601170, ClinGen allele CA351217564.

ClinVar aggregate classification (germline): Uncertain significance (1 of 4 stars; one submission).

Conditions:
Bethlem myopathy 1A. Also called: Bethlem myopathy 1; MYOPATHY, BENIGN CONGENITAL, WITH CONTRACTURES; Bethlem Muscular Dystrophy. Identifiers: Orphanet 610, MedGen CN029274, MONDO:0024530, OMIM 158810.

Allele frequency attached by ClinVar (database versions not stated): TOPMed below 0.00001; gnomAD 0.00001.
gnomAD v4.1: 1 of 1,614,144 alleles (0.000062%); highest among the groups gnomAD compares: African/African-American, 0.0013%; no homozygotes.

Submission:

Labcorp Genetics (formerly Invitae), Labcorp
Classification: Uncertain significance for Bethlem myopathy 1A. Last evaluated: 2024-01-03. Review status: criteria provided, single submitter. Criteria: Invitae Variant Classification Sherloc (09022015). Collection method: clinical testing. Allele origin: germline.
Comment: This sequence change replaces serine, which is neutral and polar, with cysteine, which is neutral and slightly polar, at codon 527 of the COL6A3 protein (p.Ser527Cys). This variant is not present in population databases (gnomAD no frequency). This variant has not been reported in the literature in individuals affected with COL6A3-related conditions. Advanced modeling of protein sequence and biophysical properties (such as structural, functional, and spatial information, amino acid conservation, physicochemical variation, residue mobility, and thermodynamic stability) performed at Invitae indicates that this missense variant is not expected to disrupt COL6A3 protein function with a negative predictive value of 95%. In summary, the available evidence is currently insufficient to determine the role of this variant in disease. Therefore, it has been classified as a Variant of Uncertain Significance.